The following is an entry in ClinVar:

ClinVar aggregate classification (germline): Uncertain significance. Review status: criteria provided, multiple submitters, no conflicts (2 of 4 stars). 6 submissions from 6 submitters: Uncertain significance (6). Last evaluated 2025-03-20.

Conditions:
Cardiovascular phenotype. Identifiers: MedGen CN230736.
Desmin-related myofibrillar myopathy (MFM1). Also called: Desminopathy; MYOFIBRILLAR MYOPATHY WITH ARRHYTHMOGENIC RIGHT VENTRICULAR CARDIOMYOPATHY; DESMIN-RELATED MYOPATHY WITH ARRHYTHMOGENIC RIGHT VENTRICULAR CARDIOMYOPATHY; Myofibrillar myopathy 1; Desmin related myopathy (former name); Desmin storage myopathy (former name). Identifiers: Orphanet 363543, Orphanet 98909, MedGen C1832370, MONDO:0011076, OMIM 601419.

Allele frequency attached by ClinVar (database versions not stated): gnomAD exomes below 0.00001.
gnomAD v4.1: 3 of 1,613,812 alleles (0.00019%); highest among the groups gnomAD compares: Non-Finnish European, 0.00025%; no homozygotes.

Submissions (6):

GeneDx
Classification: Uncertain significance. Last evaluated: 2025-03-20. Review status: criteria provided, single submitter. Criteria: GeneDx Variant Classification Process June 2021. Collection method: clinical testing. Allele origin: germline. Affected: yes.
Comment: Not observed at significant frequency in large population cohorts (gnomAD); In silico analysis supports a deleterious effect on splicing; This variant is associated with the following publications: (PMID: Cozma2017[casereport], 32528171)

Ambry Genetics
Classification: Uncertain significance for Cardiovascular phenotype. Last evaluated: 2025-03-03. Review status: criteria provided, single submitter. Criteria: Ambry Variant Classification Scheme 2023. Collection method: clinical testing. Allele origin: germline.
Comment: The c.1245-3T>G intronic variant results from a T to G substitution 3 nucleotides upstream from coding exon 7 in the DES gene. This variant was reported in individual(s) with features consistent with DES-related myopathy (T&ouml;pf A et al. Genet Med, 2020 Sep;22:1478-1488). This nucleotide position is poorly conserved in available vertebrate species. In silico splice site analysis predicts that this alteration will weaken the native splice acceptor site. Based on the available evidence, the clinical significance of this variant remains unclear.

Labcorp Genetics (formerly Invitae), Labcorp
Classification: Uncertain significance for Desmin-related myofibrillar myopathy. Last evaluated: 2024-10-31. Review status: criteria provided, single submitter. Criteria: Invitae Variant Classification Sherloc (09022015). Collection method: clinical testing. Allele origin: germline.
Comment: This sequence change falls in intron 6 of the DES gene. It does not directly change the encoded amino acid sequence of the DES protein. It affects a nucleotide within the consensus splice site. This variant is present in population databases (no rsID available, gnomAD 0.0009%). This variant has been observed in individual(s) with clinical features of DES-related conditions (PMID: 32528171). ClinVar contains an entry for this variant (Variation ID: 198476). Variants that disrupt the consensus splice site are a relatively common cause of aberrant splicing (PMID: 17576681, 9536098). Algorithms developed to predict the effect of sequence changes on RNA splicing suggest that this variant may disrupt the consensus splice site. In summary, the available evidence is currently insufficient to determine the role of this variant in disease. Therefore, it has been classified as a Variant of Uncertain Significance.

Blueprint Genetics
Classification: Uncertain significance. Last evaluated: 2024-03-04. Review status: criteria provided, single submitter. Criteria: ACMG Guidelines, 2015. Collection method: clinical testing. Allele origin: germline.

3billion
Classification: Uncertain significance for Desmin-related myofibrillar myopathy. Last evaluated: 2023-08-25. Review status: criteria provided, single submitter. Criteria: ACMG Guidelines, 2015. Collection method: clinical testing. Allele origin: germline. Affected: yes.
Comment: The variant is observed at an extremely low frequency in the gnomAD v2.1.1 dataset (total allele frequency: 0.000%). Predicted Consequence/Location: Intron variant In silico tools predict the variant to alter splicing and produce an abnormal transcript [SpliceAI: 0.88 (>=0.2, moderate evidence for spliceogenicity)]. The variant has been reported to be associated with DES related disorder (PMID: 32528171). However, the evidence of pathogenicity is insufficient at this time. Therefore, this variant is classified as VUS according to the recommendation of ACMG/AMP guideline.

Eurofins Ntd Llc (ga)
Classification: Uncertain significance. Last evaluated: 2015-06-05. Review status: criteria provided, single submitter. Criteria: EGL Classification Definitions 2015. Collection method: clinical testing. Allele origin: germline. Observed: 1 variant allele, 1 heterozygote.

Literature cited by the submitters: PubMed 32528171 (cited by 3 submitters); PubMed 17576681 (cited by Labcorp Genetics (formerly Invitae), Labcorp); PubMed 9536098 (cited by Labcorp Genetics (formerly Invitae), Labcorp).

NM_001927.4(DES):c.1245-3T>G

Gene: DES (desmin; plus strand). Cytogenetic location: 2q35.
Variant type: single nucleotide variant.
Coding change: c.1245-3T>G on transcript NM_001927.4 (MANE Select); 3 bases into the intron before coding-DNA position 1245, T replaced by G.
Molecular consequence: intron variant.
Genome position (GRCh38, 1-based): chr2:219,423,774, T>G. VCF-style: chr2-219423774-T-G. GRCh37 (hg19) VCF-style: chr2-220288496-T-G.
Other names: c.1245-3T>G (LRG_380t1).
Identifiers: ClinVar variation 198476 (VCV000198476.16), dbSNP rs111427762, ClinGen allele CA247144.